The following is an entry in ClinVar:

NM_006939.4(SOS2):c.1960A>G (p.Thr654Ala)

Gene: SOS2 (SOS Ras/Rho guanine nucleotide exchange factor 2; minus strand). Cytogenetic location: 14q21.3.
Variant type: single nucleotide variant.
Coding change: c.1960A>G on transcript NM_006939.4 (MANE Select); coding-DNA position 1960, A replaced by G.
Protein change: p.Thr654Ala; replaces threonine 654 with alanine.
Molecular consequence: missense variant.
Genome position (GRCh38, 1-based): chr14:50,157,096, T>C on the plus strand (A>G on the coding strand, the complement: SOS2 is on the minus strand). VCF-style: chr14-50157096-T-C. GRCh37 (hg19) VCF-style: chr14-50623814-T-C.
Other names: c.1861A>G, p.Thr621Ala (NM_001411020.1); short protein forms T621A, T654A.
Identifiers: ClinVar variation 3345809 (VCV003345809.1).

ClinVar aggregate classification (germline): Uncertain significance (0 of 4 stars; one submission).

Conditions:
SOS2-related disorder. Also called: SOS2-related condition.

Submission:

PreventionGenetics, part of Exact Sciences
Classification: Uncertain significance for SOS2-related condition. Last evaluated: 2024-06-10. Review status: no assertion criteria provided. Collection method: clinical testing. Allele origin: germline.
Comment: The SOS2 c.1960A>G variant is predicted to result in the amino acid substitution p.Thr654Ala. To our knowledge, this variant has not been reported in the literature or in a large population database, indicating this variant is rare. At this time, the clinical significance of this variant is uncertain due to the absence of conclusive functional and genetic evidence.